The following is an entry in ClinVar:

NM_003172.4(SURF1):c.79A>G (p.Ser27Gly)

Genes: SURF1 (SURF1 cytochrome c oxidase assembly factor; minus strand), LOC130002899 (ATAC-STARR-seq lymphoblastoid silent region 20452; plus strand). Cytogenetic location: 9q34.2.
Variant type: single nucleotide variant.
Coding change: c.79A>G on transcript NM_003172.4 (MANE Select); coding-DNA position 79, A replaced by G.
Protein change: p.Ser27Gly; replaces serine 27 with glycine.
Molecular consequence: missense variant. On other transcripts: intron variant (1).
Genome position (GRCh38, 1-based): chr9:133,356,296, T>C on the plus strand (A>G on the coding strand, the complement: SURF1 is on the minus strand). VCF-style: chr9-133356296-T-C. GRCh37 (hg19) VCF-style: chr9-136223151-T-C.
Other names: p.Ser27Gly; c.-222+104A>G (NM_001280787.1); short protein forms S27G.
Identifiers: ClinVar variation 3379918 (VCV003379918.1).

ClinVar aggregate classification (germline): Uncertain significance (1 of 4 stars; one submission).

gnomAD v4.1: 8 of 1,527,966 alleles (0.00052%); highest among the groups gnomAD compares: Non-Finnish European, 0.0007%; no homozygotes.

Submission:

Mayo Clinic Laboratories, Mayo Clinic
Classification: Uncertain significance. Last evaluated: 2024-03-08. Review status: criteria provided, single submitter. Criteria: ACMG Guidelines, 2015. Collection method: clinical testing. Allele origin: germline. Observed: 1 variant allele.
Comment: PM2